The following is an entry in ClinVar:

ClinVar aggregate classification (germline): Uncertain significance. Review status: criteria provided, multiple submitters, no conflicts (2 of 4 stars). 2 submissions from 2 submitters: Uncertain significance (2). Last evaluated 2026-01-05.

Conditions:
Early-infantile DEE. Also called: Early infantile epileptic encephalopathy; Ohtahara syndrome; Early infantile epileptic encephalopathy with suppression bursts. Identifiers: Orphanet 1934, MedGen C0393706, MONDO:0800491.

Submissions (2):

GeneDx
Classification: Uncertain significance. Last evaluated: 2026-01-05. Review status: criteria provided, single submitter. Criteria: GeneDx Variant Classification Process June 2021. Collection method: clinical testing. Allele origin: germline.
Comment: Not observed at significant frequency in large population cohorts (gnomAD); In silico analysis suggests that this missense variant does not alter protein structure/function; Has not been previously published as pathogenic or benign to our knowledge

Labcorp Genetics (formerly Invitae), Labcorp
Classification: Uncertain significance for Early-infantile DEE. Last evaluated: 2024-07-11. Review status: criteria provided, single submitter. Criteria: Invitae Variant Classification Sherloc (09022015). Collection method: clinical testing. Allele origin: germline.
Comment: This sequence change replaces valine, which is neutral and non-polar, with leucine, which is neutral and non-polar, at codon 797 of the HCN1 protein (p.Val797Leu). This variant is not present in population databases (gnomAD no frequency). This missense change has been observed in individual(s) with HCN1-related conditions (Invitae). Advanced modeling of protein sequence and biophysical properties (such as structural, functional, and spatial information, amino acid conservation, physicochemical variation, residue mobility, and thermodynamic stability) performed at Invitae indicates that this missense variant is not expected to disrupt HCN1 protein function with a negative predictive value of 95%. In summary, the available evidence is currently insufficient to determine the role of this variant in disease. Therefore, it has been classified as a Variant of Uncertain Significance.

NM_021072.4(HCN1):c.2389G>T (p.Val797Leu)

Gene: HCN1 (hyperpolarization activated cyclic nucleotide gated potassium channel 1; minus strand). Cytogenetic location: 5p12.
Variant type: single nucleotide variant.
Coding change: c.2389G>T on transcript NM_021072.4 (MANE Select); coding-DNA position 2389, G replaced by T.
Protein change: p.Val797Leu; replaces valine 797 with leucine.
Molecular consequence: missense variant.
Genome position (GRCh38, 1-based): chr5:45,262,205, C>A on the plus strand (G>T on the coding strand, the complement: HCN1 is on the minus strand). VCF-style: chr5-45262205-C-A. GRCh37 (hg19) VCF-style: chr5-45262307-C-A.
Other names: c.2389G>T (NM_021072.3); short protein forms V797L.
Identifiers: ClinVar variation 3716591 (VCV003716591.4).